The following is an entry in ClinVar:

NM_020631.6(PLEKHG5):c.1697T>A (p.Leu566Gln)

Gene: PLEKHG5 (pleckstrin homology and RhoGEF domain containing G5; minus strand). Cytogenetic location: 1p36.31.
Variant type: single nucleotide variant.
Coding change: c.1697T>A on transcript NM_020631.6 (MANE Select); coding-DNA position 1697, T replaced by A.
Protein change: p.Leu566Gln; replaces leucine 566 with glutamine.
Molecular consequence: missense variant.
Genome position (GRCh38, 1-based): chr1:6,470,339, A>T on the plus strand (T>A on the coding strand, the complement: PLEKHG5 is on the minus strand). VCF-style: chr1-6470339-A-T. GRCh37 (hg19) VCF-style: chr1-6530399-A-T.
Other names: c.1808T>A, p.Leu603Gln (NM_001042663.3, NM_001265592.2); c.1697T>A, p.Leu566Gln (NM_001042664.2, NM_001042665.2, NM_001265594.3 and 1 more transcripts); c.1904T>A, p.Leu635Gln (NM_001265593.2); short protein forms L566Q, L635Q, L603Q.
Identifiers: ClinVar variation 468895 (VCV000468895.7), dbSNP rs376513313, ClinGen allele CA561401.

ClinVar aggregate classification (germline): Uncertain significance. Review status: criteria provided, multiple submitters, no conflicts (2 of 4 stars). 2 submissions from 2 submitters: Uncertain significance (2). Last evaluated 2021-09-29.

Conditions:
Charcot-Marie-Tooth disease recessive intermediate C. Also called: CHARCOT-MARIE-TOOTH NEUROPATHY, RECESSIVE INTERMEDIATE C. Identifiers: Orphanet 369867, MedGen C3809309, MONDO:0014154, OMIM 615376.
Neuronopathy, distal hereditary motor, autosomal recessive 4. Also called: Autosomal recessive lower motor neuron disease with childhood onset; NEUROPATHY, DISTAL HEREDITARY MOTOR, AUTOSOMAL RECESSIVE 4. Identifiers: Orphanet 206580, MedGen C1970211, MONDO:0012608, OMIM 611067.

Allele frequency attached by ClinVar (database versions not stated): gnomAD exomes 0.00004 and 0.00005; ExAC 0.00005; TOPMed 0.00005; gnomAD 0.00006; ESP Exome Variant Server 0.00008.
gnomAD v4.1: 83 of 1,613,930 alleles (0.0051%); highest among the groups gnomAD compares: Non-Finnish European, 0.007%; no homozygotes.

Submissions (2):

Labcorp Genetics (formerly Invitae), Labcorp
Classification: Uncertain significance for Neuronopathy, distal hereditary motor, autosomal recessive 4; Charcot-Marie-Tooth disease recessive intermediate C. Last evaluated: 2021-09-29. Review status: criteria provided, single submitter. Criteria: Invitae Variant Classification Sherloc (09022015). Collection method: clinical testing. Allele origin: germline.
Comment: This sequence change replaces leucine with glutamine at codon 566 of the PLEKHG5 protein (p.Leu566Gln). The leucine residue is moderately conserved and there is a moderate physicochemical difference between leucine and glutamine. This variant is present in population databases (rs376513313, ExAC 0.009%). This variant has not been reported in the literature in individuals affected with PLEKHG5-related conditions. Algorithms developed to predict the effect of missense changes on protein structure and function are either unavailable or do not agree on the potential impact of this missense change (SIFT: "Tolerated"; PolyPhen-2: "Possibly Damaging"; Align-GVGD: "Class C0"). In summary, the available evidence is currently insufficient to determine the role of this variant in disease. Therefore, it has been classified as a Variant of Uncertain Significance.

GeneDx
Classification: Uncertain significance. Last evaluated: 2019-08-15. Review status: criteria provided, single submitter. Criteria: GeneDx Variant Classification Process June 2021. Collection method: clinical testing. Allele origin: germline. Affected: yes.
Comment: Not observed at a significant frequency in large population cohorts (Lek et al., 2016); In silico analysis, which includes protein predictors and evolutionary conservation, supports that this variant does not alter protein structure/function; Has not been previously published as pathogenic or benign to our knowledge